The following is an entry in ClinVar:

NM_001271.4(CHD2):c.2358C>T (p.Leu786=)

Gene: CHD2 (chromodomain helicase DNA binding protein 2; plus strand). Cytogenetic location: 15q26.1.
Variant type: single nucleotide variant.
Coding change: c.2358C>T on transcript NM_001271.4 (MANE Select); coding-DNA position 2358, C replaced by T.
Protein change: p.Leu786=; no amino-acid change (leucine 786 retained).
Molecular consequence: synonymous variant.
Genome position (GRCh38, 1-based): chr15:92,972,270, C>T. VCF-style: chr15-92972270-C-T. GRCh37 (hg19) VCF-style: chr15-93515500-C-T.
Identifiers: ClinVar variation 392667 (VCV000392667.9), dbSNP rs760012115, ClinGen allele CA7747973.

ClinVar aggregate classification (germline): Likely benign. Review status: criteria provided, multiple submitters, no conflicts (2 of 4 stars). 2 submissions from 2 submitters: Likely benign (2). Last evaluated 2025-03-17.

Conditions:
Developmental and epileptic encephalopathy 94 (DEE94). Also called: Epileptic encephalopathy, childhood-onset; CHD2-Related Neurodevelopmental Disorders. Identifiers: Orphanet 1942, Orphanet 2382, MedGen C3809278, MONDO:0014150, OMIM 615369.

Allele frequency attached by ClinVar (database versions not stated): TOPMed 0.00001; gnomAD exomes below 0.00001; ExAC 0.00001.
gnomAD v4.1: 1 of 1,610,008 alleles (0.000062%); highest among the groups gnomAD compares: South Asian, 0.0011%; no homozygotes.

Submissions (2):

Labcorp Genetics (formerly Invitae), Labcorp
Classification: Likely benign for Developmental and epileptic encephalopathy 94. Last evaluated: 2025-03-17. Review status: criteria provided, single submitter. Criteria: Invitae Variant Classification Sherloc (09022015). Collection method: clinical testing. Allele origin: germline.

GeneDx
Classification: Likely benign. Last evaluated: 2017-01-16. Review status: criteria provided, single submitter. Criteria: GeneDx Variant Classification (06012015). Collection method: clinical testing. Allele origin: germline. Affected: yes.
Comment: This variant is considered likely benign or benign based on one or more of the following criteria: it is a conservative change, it occurs at a poorly conserved position in the protein, it is predicted to be benign by multiple in silico algorithms, and/or has population frequency not consistent with disease.